The following is an entry in ClinVar:

NM_000465.4(BARD1):c.570T>A (p.Asp190Glu)

Gene: BARD1 (BRCA1 associated RING domain 1; minus strand). Cytogenetic location: 2q35.
Variant type: single nucleotide variant.
Coding change: c.570T>A on transcript NM_000465.4 (MANE Select); coding-DNA position 570, T replaced by A.
Protein change: p.Asp190Glu; replaces aspartic acid 190 with glutamic acid.
Molecular consequence: missense variant. On other transcripts: non-coding transcript variant (2), intron variant (3).
Genome position (GRCh38, 1-based): chr2:214,781,304, A>T on the plus strand (T>A on the coding strand, the complement: BARD1 is on the minus strand). VCF-style: chr2-214781304-A-T. GRCh37 (hg19) VCF-style: chr2-215646028-A-T.
Other names: c.513T>A, p.Asp171Glu (NM_001282543.2); c.158+28108T>A (NM_001282548.2); c.215+15757T>A (NM_001282545.2); c.364+10993T>A (NM_001282549.2); c.570T>A (NM_000465.2); short protein forms D171E, D190E.
Identifiers: ClinVar variation 1213829 (VCV001213829.3), dbSNP rs2106111710, ClinGen allele CA350456878.

ClinVar aggregate classification (germline): Uncertain significance. Review status: criteria provided, multiple submitters, no conflicts (2 of 4 stars). 2 submissions from 2 submitters: Uncertain significance (2). Last evaluated 2024-12-29.

Conditions:
Hereditary cancer-predisposing syndrome. Also called: Neoplastic Syndromes, Hereditary; Tumor predisposition; Hereditary neoplastic syndrome; Hereditary Cancer Syndrome. Identifiers: Orphanet 140162, MedGen C0027672, MeSH D009386, MONDO:0015356.
Hereditary breast ovarian cancer syndrome. Also called: Hereditary breast and ovarian cancer; Hereditary breast and ovarian cancer syndrome (HBOC); Hereditary breast and/or ovarian cancer syndrome; BRCA1- and BRCA2-Associated Hereditary Breast and Ovarian Cancer; Hereditary breast and ovarian cancer syndrome; Breast and ovarian cancer. Identifiers: Orphanet 145, MedGen C0677776, MeSH D061325, MONDO:0003582. Disease mechanism: loss of function.

Submissions (2):

Ambry Genetics
Classification: Uncertain significance for Hereditary cancer-predisposing syndrome. Last evaluated: 2024-12-29. Review status: criteria provided, single submitter. Criteria: Ambry Variant Classification Scheme 2023. Collection method: clinical testing. Allele origin: germline.
Comment: The p.D190E variant (also known as c.570T>A), located in coding exon 4 of the BARD1 gene, results from a T to A substitution at nucleotide position 570. The aspartic acid at codon 190 is replaced by glutamic acid, an amino acid with highly similar properties. This amino acid position is conserved. In addition, this alteration is predicted to be tolerated by in silico analysis. Based on the available evidence, the clinical significance of this variant remains unclear.

Genomics Laboratory, Virgen de la Arrixaca University Clinical Hospital
Classification: Uncertain significance for Hereditary breast ovarian cancer syndrome. Review status: criteria provided, single submitter. Criteria: ACMG Guidelines, 2015. Collection method: clinical testing. Allele origin: unknown. Inheritance: Autosomal dominant inheritance. Affected: yes.